The following is an entry in ClinVar:

NM_000384.3(APOB):c.538-9C>T

Gene: APOB (apolipoprotein B; minus strand). Cytogenetic location: 2p24.1.
Variant type: single nucleotide variant.
Coding change: c.538-9C>T on transcript NM_000384.3 (MANE Select); 9 bases into the intron before coding-DNA position 538, C replaced by T.
Molecular consequence: intron variant.
Genome position (GRCh38, 1-based): chr2:21,037,264, G>A on the plus strand (C>T on the coding strand, the complement: APOB is on the minus strand). VCF-style: chr2-21037264-G-A. GRCh37 (hg19) VCF-style: chr2-21260136-G-A.
Other names: p.?.
Identifiers: ClinVar variation 334182 (VCV000334182.30), dbSNP rs1800478, ClinGen allele CA062071.
Genomic context (GRCh38, chr2:21,037,264, plus strand): 5'-CCTTCCTCGTCTTGACGGTAAAGTGAGTGGAGCAGTTTCCATACACGGTATCCTATGGAG[G>A]AAGAAGATGCAACCACATGTATTCAACACGGGCAACATCCTTGGGTACTTGGGAGGGATG-3'

ClinVar aggregate classification (germline): Benign/Likely benign. Review status: criteria provided, multiple submitters, no conflicts (2 of 4 stars). 13 submissions from 12 submitters: Benign (10); Likely benign (3). Last evaluated 2026-02-04.

Conditions:
Hypercholesterolemia, autosomal dominant, type B (FHCL2). Also called: Familial Hypercholesterolemia Type B; APOLIPOPROTEIN B-100, FAMILIAL DEFECTIVE; APOLIPOPROTEIN B-100, FAMILIAL LIGAND-DEFECTIVE; HYPERCHOLESTEROLEMIA, FAMILIAL, DUE TO LIGAND-DEFECTIVE APOLIPOPROTEIN B; APOB-Related Familial Hypercholesterolemia, Autosomal Dominant; Familial hypercholesterolemia 2. Identifiers: MedGen C1704417, MONDO:0007751, OMIM 144010.
Familial hypobetalipoproteinemia 1. Also called: Hypobetalipoproteinemia, normotriglyceridemic; Acanthocytosis with hypobetalipoproteinemia; APOB-Related Familial Hypobetalipoproteinemia. Identifiers: MedGen C4551990, MONDO:0014252, OMIM 615558.
Hypercholesterolemia, familial, 1. Also called: LDL RECEPTOR DISORDER; Hyperlipoproteinemia Type IIa; HYPER-LOW-DENSITY-LIPOPROTEINEMIA; HYPERCHOLESTEROLEMIC XANTHOMATOSIS, FAMILIAL; Fredrickson type IIa hyperlipoproteinemia; Hyperlipoproteinemia type 2. Identifiers: Orphanet 391665, MedGen C0745103, MONDO:0007750, OMIM 143890.
Familial hypercholesterolemia. Also called: Familial hypercholesterolemias; Familial hypercholesterolaemia. Identifiers: MedGen C0020445, MONDO:0005439.

Allele frequency attached by ClinVar (database versions not stated): gnomAD exomes 0.00920 and 0.01238; ExAC 0.01403; 1000 Genomes Project 0.03095; gnomAD 0.03185 and 0.03349; 1000 Genomes Project 30x 0.03201; ESP Exome Variant Server 0.03537; TOPMed 0.03561.
gnomAD v4.1: 18,484 of 1,609,268 alleles (1.1%); highest among the groups gnomAD compares: African/African-American, 9.2%; 377 homozygotes.

Submissions (13):

Labcorp Genetics (formerly Invitae), Labcorp
Classification: Benign for Familial hypobetalipoproteinemia 1; Hypercholesterolemia, autosomal dominant, type B. Last evaluated: 2026-02-04. Review status: criteria provided, single submitter. Criteria: Invitae Variant Classification Sherloc (09022015). Collection method: clinical testing. Allele origin: germline.

Molecular Diagnostic Laboratory for Inherited Cardiovascular Disease, Montreal Heart Institute
Classification: Benign. Last evaluated: 2025-04-09. Review status: criteria provided, single submitter. Criteria: ACMG Guidelines, 2015. Collection method: clinical testing. Allele origin: germline. Affected: no.

ARUP Laboratories, Molecular Genetics and Genomics, ARUP Laboratories
Classification: Benign. Last evaluated: 2025-03-11. Review status: criteria provided, single submitter. Criteria: ARUP Molecular Germline Variant Investigation Process 2024. Collection method: clinical testing. Allele origin: germline.

Blueprint Genetics
Classification: Likely benign. Last evaluated: 2024-11-22. Review status: criteria provided, single submitter. Criteria: ACMG Guidelines, 2015. Collection method: clinical testing. Allele origin: germline.

Quest Diagnostics Nichols Institute San Juan Capistrano
Classification: Benign. Last evaluated: 2023-03-21. Review status: criteria provided, single submitter. Criteria: Quest Diagnostics criteria. Collection method: clinical testing. Allele origin: unknown.

GENinCode PLC
Classification: Benign for Familial hypercholesterolemia. Last evaluated: 2022-06-23. Review status: criteria provided, single submitter. Criteria: ACMG Guidelines, 2015. Collection method: clinical testing. Allele origin: germline.

GeneDx
Classification: Benign. Last evaluated: 2018-01-25. Review status: criteria provided, single submitter. Criteria: GeneDx Variant Classification (06012015). Collection method: clinical testing. Allele origin: germline. Affected: yes.
Comment: This variant is considered likely benign or benign based on one or more of the following criteria: it is a conservative change, it occurs at a poorly conserved position in the protein, it is predicted to be benign by multiple in silico algorithms, and/or has population frequency not consistent with disease.

Illumina Laboratory Services, Illumina
Classification: Likely benign for Familial hypobetalipoproteinemia 1. Last evaluated: 2018-01-13. Review status: criteria provided, single submitter. Criteria: ICSL Variant Classification Criteria 13 December 2019. Collection method: clinical testing. Allele origin: germline.
Comment: This variant was observed in the ICSL laboratory as part of a predisposition screen in an ostensibly healthy population. It had not been previously curated by ICSL or reported in the Human Gene Mutation Database (HGMD: prior to June 1st, 2018), and was therefore a candidate for classification through an automated scoring system. Utilizing variant allele frequency, disease prevalence and penetrance estimates, and inheritance mode, an automated score was calculated to assess if this variant is too frequent to cause the disease. Based on the score and internal cut-off values, a variant classified as likely benign is not then subjected to further curation. The score for this variant resulted in a classification of likely benign for this disease.

Illumina Laboratory Services, Illumina
Classification: Benign for Hypercholesterolemia, autosomal dominant, type B. Last evaluated: 2018-01-13. Review status: criteria provided, single submitter. Criteria: ICSL Variant Classification Criteria 13 December 2019. Collection method: clinical testing. Allele origin: germline.
Comment: This variant was observed in the ICSL laboratory as part of a predisposition screen in an ostensibly healthy population. It had not been previously curated by ICSL or reported in the Human Gene Mutation Database (HGMD: prior to June 1st, 2018), and was therefore a candidate for classification through an automated scoring system. Utilizing variant allele frequency, disease prevalence and penetrance estimates, and inheritance mode, an automated score was calculated to assess if this variant is too frequent to cause the disease. Based on the score and internal cut-off values, a variant classified as benign is not then subjected to further curation. The score for this variant resulted in a classification of benign for this disease.

Robarts Research Institute, Western University
Classification: Benign for Hypercholesterolemia, familial, 1. Last evaluated: 2018-01-02. Review status: criteria provided, single submitter. Criteria: ACMG Guidelines, 2015. Collection method: clinical testing. Allele origin: germline. Inheritance: Autosomal dominant inheritance. Affected: yes.

Color Diagnostics, LLC DBA Color Health
Classification: Benign for Familial hypercholesterolemias. Last evaluated: 2017-06-01. Review status: criteria provided, single submitter. Criteria: ACMG Guidelines, 2015. Collection method: clinical testing. Allele origin: germline.

Mayo Clinic Laboratories, Mayo Clinic
Classification: Benign. Last evaluated: 2014-01-31. Review status: criteria provided, single submitter. Criteria: ACMG Guidelines, 2015. Collection method: clinical testing. Allele origin: germline. Observed: 32 variant alleles.

Breakthrough Genomics
Classification: Likely benign. Review status: criteria provided, single submitter. Criteria: ACMG Guidelines, 2015. Collection method: not provided. Allele origin: germline. Inheritance: Autosomal recessive inheritance. Affected: yes.